The following is an entry in ClinVar:

ClinVar aggregate classification (germline): Uncertain significance (1 of 4 stars; one submission).

Conditions:
Inborn genetic diseases. Identifiers: MedGen C0950123, MeSH D030342.

Submission:

Ambry Genetics
Classification: Uncertain significance for Inborn genetic diseases. Last evaluated: 2025-10-26. Review status: criteria provided, single submitter. Criteria: Ambry Variant Classification Scheme 2023. Collection method: clinical testing. Allele origin: germline.
Comment: The p.W342S variant (also known as c.1025G>C), located in coding exon 6 of the ETV6 gene, results from a G to C substitution at nucleotide position 1025. The tryptophan at codon 342 is replaced by serine, an amino acid with highly dissimilar properties. This amino acid position is conserved. In addition, this alteration is predicted to be deleterious by in silico analysis. Based on the available evidence, the clinical significance of this variant remains unclear.

NM_001987.5(ETV6):c.1025G>C (p.Trp342Ser)

Genes: ETV6 (ETS variant transcription factor 6; plus strand), LOC126861452 (CDK7 strongly-dependent group 2 enhancer GRCh37_chr12:12037195-12038394; plus strand). Cytogenetic location: 12p13.2.
Variant type: single nucleotide variant.
Coding change: c.1025G>C on transcript NM_001987.5 (MANE Select); coding-DNA position 1025, G replaced by C.
Protein change: p.Trp342Ser; replaces tryptophan 342 with serine.
Molecular consequence: missense variant. On other transcripts: intron variant (1).
Genome position (GRCh38, 1-based): chr12:11,884,460, G>C. VCF-style: chr12-11884460-G-C. GRCh37 (hg19) VCF-style: chr12-12037394-G-C.
Other names: c.1022G>C, p.Trp341Ser (NM_001413913.1); c.998G>C, p.Trp333Ser (NM_001413914.1); c.761G>C, p.Trp254Ser (NM_001413915.1); c.1010-6481G>C (NM_001413917.1); short protein forms W341S, W342S, W254S, W333S.
Identifiers: ClinVar variation 4618860 (VCV004618860.1).